The following is an entry in ClinVar:

ClinVar aggregate classification (germline): Pathogenic (1 of 4 stars; one submission).

Conditions:
TSC1-related disorder. Also called: TSC1-related condition.

Submission:

PreventionGenetics, part of Exact Sciences
Classification: Pathogenic for TSC1-related condition. Last evaluated: 2026-01-07. Review status: criteria provided, single submitter. Criteria: ACMG Guidelines, 2015. Collection method: clinical testing. Allele origin: germline.
Comment: The TSC1 c.1577_1579delCTC variant is predicted to result in premature protein termination (p.Ser526*). To our knowledge, this variant has not been reported in the literature or in a large population database (gnomAD), indicating this variant is rare. At the time of reporting this variant is absent in ClinVar. Nonsense variants in TSC1 are expected to be pathogenic. This variant is interpreted as pathogenic.

NM_000368.5(TSC1):c.1577_1579del (p.Ser526_Gln527delinsTer)

Gene: TSC1 (TSC complex subunit 1; minus strand). Cytogenetic location: 9q34.13.
Variant type: Deletion.
Coding change: c.1577_1579del on transcript NM_000368.5 (MANE Select); coding-DNA positions 1577 to 1579, 3 bases deleted (CTC; older notation c.1577_1579delCTC).
Protein change: p.Ser526_Gln527delinsTer.
Molecular consequence: nonsense. On other transcripts: non-coding transcript variant (5).
Genome position (GRCh38, 1-based): chr9:132,905,999-132,906,001, GAG deleted on the plus strand (CTC on the coding strand, the reverse complement: TSC1 is on the minus strand). VCF-style (leftmost placement, unchanged base first): chr9-132905998-TGAG-T. GRCh37 (hg19) VCF-style: chr9-135781385-TGAG-T.
Other names: c.1574_1576del, p.Ser525_Gln526delinsTer (NM_001162426.2, NM_001406597.1, NM_001406598.1 and 6 more transcripts); c.1424_1426del, p.Ser475_Gln476delinsTer (NM_001162427.2, NM_001406610.1); c.1214_1216del, p.Ser405_Gln406delinsTer (NM_001362177.2, NM_001406614.1, NM_001406615.1 and 5 more transcripts); c.1577_1579del, p.Ser526_Gln527delinsTer (NM_001406592.1, NM_001406593.1, NM_001406594.1 and 7 more transcripts); c.1421_1423del, p.Ser474_Gln475delinsTer (NM_001406611.1, NM_001406612.1, NM_001406613.1); c.1211_1213del, p.Ser404_Gln405delinsTer (NM_001406620.1, NM_001406621.1, NM_001406622.1 and 2 more transcripts); c.626_628del, p.Ser209_Gln210delinsTer (NM_001406626.1); c.623_625del, p.Ser208_Gln209delinsTer (NM_001406627.1, NM_001406628.1); and 1 more.
Identifiers: ClinVar variation 4991313 (VCV004991313.1).